The following is an entry in ClinVar:

ClinVar aggregate classification (germline): Uncertain significance (1 of 4 stars; one submission).

Conditions:
STING-associated vasculopathy with onset in infancy. Also called: Sting-associated vasculopathy, infantile-onset. Identifiers: Orphanet 425120, MedGen C4014722, MONDO:0014405, OMIM 615934.

Allele frequency attached by ClinVar (database versions not stated): gnomAD exomes below 0.00001.
gnomAD v4.1: 3 of 1,614,184 alleles (0.00019%); highest among the groups gnomAD compares: South Asian, 0.0011%; no homozygotes.

Submission:

Labcorp Genetics (formerly Invitae), Labcorp
Classification: Uncertain significance for STING-associated vasculopathy with onset in infancy. Last evaluated: 2023-03-19. Review status: criteria provided, single submitter. Criteria: Invitae Variant Classification Sherloc (09022015). Collection method: clinical testing. Allele origin: germline.
Comment: This sequence change replaces alanine, which is neutral and non-polar, with threonine, which is neutral and polar, at codon 270 of the TMEM173 protein (p.Ala270Thr). This variant is not present in population databases (gnomAD no frequency). This variant has not been reported in the literature in individuals affected with TMEM173-related conditions. Advanced modeling of protein sequence and biophysical properties (such as structural, functional, and spatial information, amino acid conservation, physicochemical variation, residue mobility, and thermodynamic stability) performed at Invitae indicates that this missense variant is not expected to disrupt TMEM173 protein function. In summary, the available evidence is currently insufficient to determine the role of this variant in disease. Therefore, it has been classified as a Variant of Uncertain Significance.

NM_198282.4(STING1):c.808G>A (p.Ala270Thr)

Gene: STING1 (stimulator of interferon response cGAMP interactor 1; minus strand). Cytogenetic location: 5q31.2.
Variant type: single nucleotide variant.
Coding change: c.808G>A on transcript NM_198282.4 (MANE Select); coding-DNA position 808, G replaced by A.
Protein change: p.Ala270Thr; replaces alanine 270 with threonine.
Molecular consequence: missense variant. On other transcripts: intron variant (1).
Genome position (GRCh38, 1-based): chr5:139,477,467, C>T on the plus strand (G>A on the coding strand, the complement: STING1 is on the minus strand). VCF-style: chr5-139477467-C-T. GRCh37 (hg19) VCF-style: chr5-138857052-C-T.
Other names: c.451G>A, p.Ala151Thr (NM_001367258.1); c.759+803G>A (NM_001301738.2); short protein forms A151T, A270T.
Identifiers: ClinVar variation 2847476 (VCV002847476.3), dbSNP rs1379763592, ClinGen allele CA361479704.